The following is an entry in ClinVar:

NM_001267550.2(TTN):c.85516C>A (p.Gln28506Lys)

Genes: TTN (titin; minus strand), TTN-AS1 (TTN antisense RNA 1; plus strand). Cytogenetic location: 2q31.2.
Variant type: single nucleotide variant.
Coding change: c.85516C>A on transcript NM_001267550.2 (MANE Select); coding-DNA position 85516, C replaced by A.
Protein change: p.Gln28506Lys; replaces glutamine 28506 with lysine.
Molecular consequence: missense variant.
Genome position (GRCh38, 1-based): chr2:178,560,616, G>T on the plus strand (C>A on the coding strand, the complement: TTN is on the minus strand). VCF-style: chr2-178560616-G-T. GRCh37 (hg19) VCF-style: chr2-179425343-G-T.
Other names: p.Q26865K:CAG>AAG; c.58696C>A, p.Gln19566Lys (NM_133432.3); c.58897C>A, p.Gln19633Lys (NM_133437.4); c.80593C>A, p.Gln26865Lys (NM_001256850.1); c.58321C>A, p.Gln19441Lys (NM_003319.4); c.77812C>A, p.Gln25938Lys (NM_133378.4); short protein forms Q25938K, Q28506K, Q26865K, Q19441K, Q19633K, Q19566K.
Identifiers: ClinVar variation 178180 (VCV000178180.70), dbSNP rs201272728, ClinGen allele CA181675.
Genomic context (GRCh38, chr2:178,560,616, plus strand): 5'-TTACTCTAAATATATATTCATTGCCTTTGAGTAACTTGGTTACTTTACAGGATGTCATCT[G>T]TAACTCTCCTTCACATATTGTCCATGCAAGGTGGCTTGTTTCACGTTTTTCTACGATGTA-3'
Protein context (NP_001254479.2, residues 28496-28516): LAWTICEGEL[Gln28506Lys]MTSCKVTKLL

ClinVar aggregate classification (germline): Conflicting classifications of pathogenicity. Review status: criteria provided, conflicting classifications (1 of 4 stars). 20 submissions from 16 submitters: Uncertain significance (5); Benign (2); Likely benign (9). 4 of the submissions do not count toward it. Last evaluated 2026-09-01.

Conditions:
Cardiovascular phenotype. Identifiers: MedGen CN230736.
TTN-related disorder. Also called: TTN-related disorders; TTN-related condition; TTN-related disease.
Autosomal recessive limb-girdle muscular dystrophy type 2J (LGMDR10). Also called: Limb-girdle muscular dystrophy, type 2J; MUSCULAR DYSTROPHY, LIMB-GIRDLE, AUTOSOMAL RECESSIVE 10. Identifiers: Orphanet 140922, MedGen C1837342, MONDO:0012127, OMIM 608807.
Dilated cardiomyopathy 1G (CMD1G). Identifiers: Orphanet 154, MedGen C1858763, MONDO:0011400, OMIM 604145.
Early-onset myopathy with fatal cardiomyopathy (CMYO5). Also called: Salih Myopathy; CONGENITAL MYOPATHY 5 WITH CARDIOMYOPATHY. Identifiers: Orphanet 289377, MedGen C2673677, MONDO:0012714, OMIM 611705. Disease mechanism: loss of function.
Myopathy, myofibrillar, 9, with early respiratory failure (MFM9). Also called: Myopathy, distal, with early respiratory failure, autosomal dominant; EDSTROM MYOPATHY; MYOPATHY, PROXIMAL, WITH EARLY RESPIRATORY MUSCLE INVOLVEMENT; Hereditary myopathy with early respiratory failure. Identifiers: Orphanet 178464, Orphanet 34521, MedGen C1863599, MONDO:0011362, OMIM 603689.
Tibial muscular dystrophy (TMD). Also called: Udd Distal Myopathy – Tibial Muscular Dystrophy; UDD MYOPATHY; Tibial muscular dystrophy, tardive. Identifiers: Orphanet 609, MedGen C1838244, MONDO:0010870, OMIM 600334.

Allele frequency attached by ClinVar (database versions not stated): 1000 Genomes Project 30x 0.00031; ExAC 0.00033; 1000 Genomes Project 0.00040; gnomAD 0.00042 and 0.00046; gnomAD exomes 0.00047 and 0.00024; TOPMed 0.00067; ESP Exome Variant Server 0.00025.
gnomAD v4.1: 456 of 1,613,494 alleles (0.028%); highest among the groups gnomAD compares: Middle Eastern, 0.26%; no homozygotes.

Submissions (20):

CeGaT Center for Human Genetics Tuebingen
Classification: Likely benign. Last evaluated: 2026-09-01. Review status: criteria provided, single submitter. Criteria: CeGaT Center For Human Genetics Tuebingen Variant Classification Criteria Version 2. Collection method: clinical testing. Allele origin: germline. Affected: yes. Observed: 8 variant alleles.
Comment: TTN: BP4

Labcorp Genetics (formerly Invitae), Labcorp
Classification: Likely benign for Dilated cardiomyopathy 1G; Autosomal recessive limb-girdle muscular dystrophy type 2J. Last evaluated: 2026-02-02. Review status: criteria provided, single submitter. Criteria: Invitae Variant Classification Sherloc (09022015). Collection method: clinical testing. Allele origin: germline.

Molecular Diagnostic Laboratory for Inherited Cardiovascular Disease, Montreal Heart Institute
Classification: Likely benign. Last evaluated: 2025-04-09. Review status: criteria provided, single submitter. Criteria: ACMG Guidelines, 2015. Collection method: clinical testing. Allele origin: germline. Affected: no.

Dasa
Classification: Uncertain significance. Last evaluated: 2025-03-27. Review status: criteria provided, single submitter. Criteria: DASA Assertion Criteria. Collection method: clinical testing. Allele origin: germline.
Comment: NM_001267550.2(TTN):c.85516C>A (p.Gln28506Lys) is a missense variant that results in the substitution of glutamine with lysine. This variant is rare in population databases. Computational prediction algorithms are consistent with a benign effect. The currently available literature and clinical evidence are not sufficient to establish a definitive association between this variant and the reported condition. Therefore, this variant is classified as a variant of uncertain significance.

ARUP Laboratories, Molecular Genetics and Genomics, ARUP Laboratories
Classification: Uncertain significance. Last evaluated: 2025-02-28. Review status: criteria provided, single submitter. Criteria: ARUP Molecular Germline Variant Investigation Process 2024. Collection method: clinical testing. Allele origin: germline.
Comment: The TTN c.85516C>A; p.Gln28506Lys variant (rs201272728; ClinVar Variation ID: 178180)] is rare in the general population (<0.2% allele frequency in the Genome Aggregation Database) and has not been reported in the medical literature in association with dilated cardiomyopathy (DCM) or other TTN-related disease. The clinical relevance of rare missense variants in this gene, which are identified on average once per individual sequenced in affected populations (Herman 2012), is not well understood. Yet, evidence suggests that the vast majority of such missense variants do not contribute to the clinical outcome of DCM (Begay 2015). Thus, the clinical significance of the p.Gln28506Lys variant cannot be determined with certainty. References: Begay RL et al. Role of Titin Missense Variants in Dilated Cardiomyopathy. J Am Heart Assoc. 2015 Nov 13;4(11). PMID: 26567375. Herman DS et al. Truncations of titin causing dilated cardiomyopathy. N Engl J Med. 2012 Feb 16;366(7):619-28. PMID: 22335739. Linke WA and Hamdani N. Gigantic business: titin properties and function through thick and thin. Circ Res 2014; 114(6): 1052-1068. PMID: 24625729.

Women's Health and Genetics/Laboratory Corporation of America, LabCorp
Classification: Likely benign. Last evaluated: 2025-02-10. Review status: criteria provided, single submitter. Criteria: LabCorp Variant Classification Summary - May 2015. Collection method: clinical testing. Allele origin: germline.

Blueprint Genetics
Classification: Likely benign. Last evaluated: 2024-11-25. Review status: criteria provided, single submitter. Criteria: ACMG Guidelines, 2015. Collection method: clinical testing. Allele origin: germline.

GeneDx
Classification: Likely benign. Last evaluated: 2021-11-12. Review status: criteria provided, single submitter. Criteria: GeneDx Variant Classification Process June 2021. Collection method: clinical testing. Allele origin: germline. Affected: yes.

Ambry Genetics
Classification: Likely benign for Cardiovascular phenotype. Last evaluated: 2019-04-15. Review status: criteria provided, single submitter. Criteria: Ambry Variant Classification Scheme 2023. Collection method: clinical testing. Allele origin: germline.

Illumina Laboratory Services, Illumina
Classification: Uncertain significance for Autosomal recessive limb-girdle muscular dystrophy type 2J. Last evaluated: 2018-01-12. Review status: criteria provided, single submitter. Criteria: ICSL Variant Classification Criteria 13 December 2019. Collection method: clinical testing. Allele origin: germline.

Illumina Laboratory Services, Illumina
Classification: Benign for Myopathy, myofibrillar, 9, with early respiratory failure. Last evaluated: 2018-01-12. Review status: criteria provided, single submitter. Criteria: ICSL Variant Classification Criteria 13 December 2019. Collection method: clinical testing. Allele origin: germline.
Comment: This variant was observed in the ICSL laboratory as part of a predisposition screen in an ostensibly healthy population. It had not been previously curated by ICSL or reported in the Human Gene Mutation Database (HGMD: prior to June 1st, 2018), and was therefore a candidate for classification through an automated scoring system. Utilizing variant allele frequency, disease prevalence and penetrance estimates, and inheritance mode, an automated score was calculated to assess if this variant is too frequent to cause the disease. Based on the score and internal cut-off values, a variant classified as benign is not then subjected to further curation. The score for this variant resulted in a classification of benign for this disease.

Illumina Laboratory Services, Illumina
Classification: Uncertain significance for Early-onset myopathy with fatal cardiomyopathy. Last evaluated: 2018-01-12. Review status: criteria provided, single submitter. Criteria: ICSL Variant Classification Criteria 13 December 2019. Collection method: clinical testing. Allele origin: germline.

Illumina Laboratory Services, Illumina
Classification: Uncertain significance for Dilated cardiomyopathy 1G. Last evaluated: 2018-01-12. Review status: criteria provided, single submitter. Criteria: ICSL Variant Classification Criteria 13 December 2019. Collection method: clinical testing. Allele origin: germline.

Illumina Laboratory Services, Illumina
Classification: Benign for Tibial muscular dystrophy. Last evaluated: 2018-01-12. Review status: criteria provided, single submitter. Criteria: ICSL Variant Classification Criteria 13 December 2019. Collection method: clinical testing. Allele origin: germline.
Comment: the same text as in the submission from Illumina Laboratory Services, Illumina above.

Eurofins Ntd Llc (ga)
Classification: Likely benign. Last evaluated: 2015-04-28. Review status: criteria provided, single submitter. Criteria: EGL Classification Definitions 2015. Collection method: clinical testing. Allele origin: germline. Observed: 1 variant allele, 1 heterozygote.

Laboratory for Molecular Medicine, Mass General Brigham Personalized Medicine
Classification: Likely benign. Last evaluated: 2014-04-04. Review status: criteria provided, single submitter. Criteria: LMM Criteria. Collection method: clinical testing. Allele origin: germline. Observed: 1 variant allele.
Comment: Gln25938Lys in exon 275 of TTN: This variant is not expected to have clinical si gnificance due to a lack of conservation across species, including mammals. Of n ote, two bat species, hedgehog, and multiple birds, reptiles, and fish have a ly sine (Lys) at this position despite high nearby amino acid conservation. In addi tion, it has been identified in 1/8264 European American chromosomes and 2/3890 African American chromosomes by the NHLBI Exome Sequencing Project (s.; dbSNP rs201272728).

PreventionGenetics, part of Exact Sciences
Classification: Likely benign for TTN-related condition. Last evaluated: 2022-06-08. Review status: no assertion criteria provided. Collection method: clinical testing. Allele origin: germline. Not counted in ClinVar's aggregate classification.
Comment: This variant is classified as likely benign based on ACMG/AMP sequence variant interpretation guidelines (Richards et al. 2015 PMID: 25741868, with internal and published modifications).

Clinical Genetics DNA and cytogenetics Diagnostics Lab, Erasmus MC, Erasmus Medical Center
Classification: Likely benign. Review status: no assertion criteria provided. Collection method: clinical testing. Allele origin: germline. Affected: yes. Study: VKGL Data-share Consensus. Not counted in ClinVar's aggregate classification.

Clinical Genetics, Academic Medical Center
Classification: Likely benign. Review status: no assertion criteria provided. Collection method: clinical testing. Allele origin: germline. Affected: yes. Study: VKGL Data-share Consensus. Not counted in ClinVar's aggregate classification.

Joint Genome Diagnostic Labs from Nijmegen and Maastricht, Radboudumc and MUMC+
Classification: Likely benign. Review status: no assertion criteria provided. Collection method: clinical testing. Allele origin: germline. Affected: yes. Study: VKGL Data-share Consensus. Not counted in ClinVar's aggregate classification.

Literature cited by the submitters: PubMed 28771489 (cited by Ambry Genetics).